The following is an entry in ClinVar:

NM_000400.4(ERCC2):c.1802G>A (p.Arg601Gln)

Gene: ERCC2 (ERCC excision repair 2, TFIIH core complex helicase subunit; minus strand). Cytogenetic location: 19q13.32.
Variant type: single nucleotide variant.
Coding change: c.1802G>A on transcript NM_000400.4 (MANE Select); coding-DNA position 1802, G replaced by A.
Protein change: p.Arg601Gln; replaces arginine 601 with glutamine.
Molecular consequence: missense variant.
Genome position (GRCh38, 1-based): chr19:45,353,112, C>T on the plus strand (G>A on the coding strand, the complement: ERCC2 is on the minus strand). VCF-style: chr19-45353112-C-T. GRCh37 (hg19) VCF-style: chr19-45856370-C-T.
Other names: short protein forms R601Q.
Identifiers: ClinVar variation 134097 (VCV000134097.15), dbSNP rs140522180, ClinGen allele CA158758.

ClinVar aggregate classification (germline): Uncertain significance. Review status: criteria provided, multiple submitters, no conflicts (2 of 4 stars). 9 submissions from 9 submitters: Uncertain significance (6). 3 of the submissions do not count toward it. Last evaluated 2026-01-26.
ClinVar aggregate classification (oncogenicity): Likely oncogenic (1 of 4 stars; one submission).

Conditions:
Xeroderma pigmentosum (XP). Identifiers: Orphanet 910, MedGen C0043346, MONDO:0019600.
Xeroderma pigmentosum, group D (XPD). Also called: ERCC2-Related Xeroderma Pigmentosum; XERODERMA PIGMENTOSUM, COMPLEMENTATION GROUP D; XERODERMA PIGMENTOSUM IV; XP, GROUP D; XP, GROUP H. Identifiers: MedGen C0268138, MONDO:0010212, OMIM 278730.
Neoplasm. Also called: Neoplasms; Neoplasm (disease); tumor. Identifiers: MedGen C0027651, MeSH D009369, MONDO:0005070, HP:0002664.

Allele frequency attached by ClinVar (database versions not stated): TOPMed 0.00021; ESP Exome Variant Server 0.00015.
gnomAD v4.1: 509 of 1,613,290 alleles (0.032%); highest among the groups gnomAD compares: Non-Finnish European, 0.041%; no homozygotes.

Submissions (10):

Center for Genomic Medicine, Rigshospitalet, Copenhagen University Hospital
Classification: Likely oncogenic for Neoplasm. Last evaluated: 2026-10-16. Review status: criteria provided, single submitter. Criteria: ClinGen/CGC/VICC Guidelines for Oncogenicity, 2022. Collection method: clinical testing. Allele origin: somatic. Affected: yes.

Women's Health and Genetics/Laboratory Corporation of America, LabCorp
Classification: Uncertain significance. Last evaluated: 2026-01-26. Review status: criteria provided, single submitter. Criteria: LabCorp Variant Classification Summary - May 2015. Collection method: clinical testing. Allele origin: germline.
Comment: Variant summary: ERCC2 c.1802G>A (p.Arg601Gln) results in a conservative amino acid change in the encoded protein sequence. Algorithms developed to predict the effect of missense changes on protein structure and function are either unavailable or do not agree on the potential impact of this missense change. The variant allele was found at a frequency of 0.00019 in 250910 control chromosomes. This frequency is not significantly higher than estimated for disease-causing variants in ERCC2, allowing no conclusion about variant significance. c.1802G>A has been observed in individuals affected with various cancers without evidence for causality (e.g. Lu_2015, Rump_2016, Henn_2019, Smith_2021) and in an individual affected with Xeroderma Pigmentosum group A who also carried an alternate ERCC2 variant affecting the start codon (e.g. Johansson_2025). These report(s) do not provide unequivocal conclusions about association of the variant with Xeroderma Pigmentosum. One publication reports experimental evidence showing slightly decreased transcript levels (Rump_2016), however, does not allow convincing conclusions about the variant effect. The following publications have been ascertained in the context of this evaluation (PMID: 30680046, 39315505, 26689913, 27504877, 32830346). ClinVar contains an entry for this variant (Variation ID: 134097). Based on the evidence outlined above, the variant was classified as uncertain significance.

Blueprint Genetics
Classification: Uncertain significance. Last evaluated: 2024-11-23. Review status: criteria provided, single submitter. Criteria: ACMG Guidelines, 2015. Collection method: clinical testing. Allele origin: germline.

GeneDx
Classification: Uncertain significance. Last evaluated: 2022-11-22. Review status: criteria provided, single submitter. Criteria: GeneDx Variant Classification Process June 2021. Collection method: clinical testing. Allele origin: germline. Affected: yes.
Comment: Has been reported in multiple unrelated individuals with breast/ovarian or renal cancer; however this variant was also observed in control populations (Rump et al., 2016; Smith et al., 2021); Published functional studies of this variant identified in breast cancer samples demonstrate a damaging effect (Rump et al., 2016); In silico analysis supports that this missense variant has a deleterious effect on protein structure/function; This variant is associated with the following publications: (PMID: 27504877, 27085493, 32830346)

Labcorp Genetics (formerly Invitae), Labcorp
Classification: Uncertain significance. Last evaluated: 2022-09-20. Review status: criteria provided, single submitter. Criteria: Invitae Variant Classification Sherloc (09022015). Collection method: clinical testing. Allele origin: germline.
Comment: This sequence change replaces arginine, which is basic and polar, with glutamine, which is neutral and polar, at codon 601 of the ERCC2 protein (p.Arg601Gln). This variant is present in population databases (rs140522180, gnomAD 0.04%). This variant has not been reported in the literature in individuals affected with ERCC2-related conditions. ClinVar contains an entry for this variant (Variation ID: 134097). Advanced modeling of protein sequence and biophysical properties (such as structural, functional, and spatial information, amino acid conservation, physicochemical variation, residue mobility, and thermodynamic stability) performed at Invitae indicates that this missense variant is expected to disrupt ERCC2 protein function. Experimental studies have shown that this missense change affects ERCC2 function (PMID: 27504877). In summary, the available evidence is currently insufficient to determine the role of this variant in disease. Therefore, it has been classified as a Variant of Uncertain Significance.

Sema4
Classification: Uncertain significance for Xeroderma pigmentosum. Last evaluated: 2022-03-17. Review status: criteria provided, single submitter. Criteria: Sema4 Curation Guidelines. Collection method: curation. Allele origin: germline.
Comment: The ERCC2 c.1802G>A (p.R601Q ) variant has been reported in at least 3 individuals with breast cancer (PMID:27504877) and in 1 individual with familial clear cell renal cell carcinoma (ccRCC) (PMID: 32830346). It has also been reported in healthy individuals (PMID: 24728327). This variant was observed in 46/128864 chromosomes in the Non-Finnish European population, with 0 homozygotes, according to the Genome Aggregation Database (PMID: 27535533). This variant has been reported in ClinVar (Variation ID: 134097). In silico predictions of the variant's effect on protein function are inconclusive. The evidence is insufficient to meet ACMG/AMP criteria for classifying the variant as benign or pathogenic. Thus, the clinical significance of this variant is currently uncertain.

Illumina Laboratory Services, Illumina
Classification: Uncertain significance for Xeroderma pigmentosum, group D. Last evaluated: 2017-04-28. Review status: criteria provided, single submitter. Criteria: ICSL Variant Classification Criteria 13 December 2019. Collection method: clinical testing. Allele origin: germline.
Comment: This variant was observed as part of a predisposition screen in an ostensibly healthy population. A literature search was performed for the gene, cDNA change, and amino acid change (where applicable). Publications were found based on this search. However, the evidence from the literature, in combination with allele frequency data from public databases where available, was not sufficient to rule this variant in or out of causing disease. Therefore, this variant is classified as a variant of unknown significance.

ITMI
No classification provided. Condition: AllHighlyPenetrant. Last evaluated: 2013-09-19. Review status: no classification provided. Collection method: reference population. Allele origin: germline. Not counted in ClinVar's aggregate classification.
Comment: Please see associated publication for description of ethnicities

Clinical Genetics DNA and cytogenetics Diagnostics Lab, Erasmus MC, Erasmus Medical Center
Classification: Uncertain significance. Review status: no assertion criteria provided. Collection method: clinical testing. Allele origin: germline. Affected: yes. Study: VKGL Data-share Consensus. Not counted in ClinVar's aggregate classification.

Genome Diagnostics Laboratory, Amsterdam University Medical Center
Classification: Uncertain significance. Review status: no assertion criteria provided. Collection method: clinical testing. Allele origin: germline. Affected: yes. Study: VKGL Data-share Consensus. Not counted in ClinVar's aggregate classification.

Literature cited by the submitters: PubMed 27504877 (cited by 4 submitters); PubMed 26689913 (cited by Women's Health and Genetics/Laboratory Corporation of America, LabCorp); PubMed 30680046 (cited by Women's Health and Genetics/Laboratory Corporation of America, LabCorp); PubMed 32830346 (cited by Women's Health and Genetics/Laboratory Corporation of America, LabCorp and Sema4); PubMed 39315505 (cited by Women's Health and Genetics/Laboratory Corporation of America, LabCorp); PubMed 24728327 (cited by 3 submitters); PubMed 27085493 (cited by Illumina Laboratory Services, Illumina).